The following is an entry in ClinVar:

NM_001042545.2(LTBP4):c.3755A>T (p.Tyr1252Phe)

Gene: LTBP4 (latent transforming growth factor beta binding protein 4; plus strand). Cytogenetic location: 19q13.2.
Variant type: single nucleotide variant.
Coding change: c.3755A>T on transcript NM_001042545.2 (MANE Select); coding-DNA position 3755, A replaced by T.
Protein change: p.Tyr1252Phe; replaces tyrosine 1252 with phenylalanine.
Molecular consequence: missense variant.
Genome position (GRCh38, 1-based): chr19:40,624,005, A>T. VCF-style: chr19-40624005-A-T. GRCh37 (hg19) VCF-style: chr19-41129910-A-T.
Other names: c.3956A>T, p.Tyr1319Phe (NM_001042544.1); c.3845A>T, p.Tyr1282Phe (NM_003573.2); short protein forms Y1252F, Y1319F, Y1282F.
Identifiers: ClinVar variation 2954775 (VCV002954775.1), dbSNP rs758082743, ClinGen allele CA9449116.
Genomic context (GRCh38, chr19:40,624,005, plus strand): 5'-AGTGCGCCGATGAGGAACCGGCCTGTGAGGGCGGCCGCTGTGTCAACACTGTGGGCTCTT[A>T]TCACTGTACCTGCGAGCCCCCACTGGTGCTGGATGGCTCGCAGCGCCGCTGCGTCTCCAA-3'
Protein context (NP_001036010.1, residues 1242-1262): GGRCVNTVGS[Tyr1252Phe]HCTCEPPLVL

ClinVar aggregate classification (germline): Uncertain significance (1 of 4 stars; one submission).

Allele frequency attached by ClinVar (database versions not stated): ExAC 0.00001; gnomAD exomes 0.00002.
gnomAD v4.1: 31 of 1,612,624 alleles (0.0019%); highest among the groups gnomAD compares: Non-Finnish European, 0.0025%; no homozygotes.

Submission:

Labcorp Genetics (formerly Invitae), Labcorp
Classification: Uncertain significance. Last evaluated: 2023-12-02. Review status: criteria provided, single submitter. Criteria: Invitae Variant Classification Sherloc (09022015). Collection method: clinical testing. Allele origin: germline.
Comment: This sequence change replaces tyrosine, which is neutral and polar, with phenylalanine, which is neutral and non-polar, at codon 1282 of the LTBP4 protein (p.Tyr1282Phe). This variant is present in population databases (rs758082743, gnomAD 0.003%). This variant has not been reported in the literature in individuals affected with LTBP4-related conditions. Experimental studies and prediction algorithms are not available or were not evaluated, and the functional significance of this variant is currently unknown. In summary, the available evidence is currently insufficient to determine the role of this variant in disease. Therefore, it has been classified as a Variant of Uncertain Significance.